The following is an entry in ClinVar:

NM_001202.6(BMP4):c.862_863insT (p.Arg288fs)

Gene: BMP4 (bone morphogenetic protein 4; minus strand). Cytogenetic location: 14q22.2.
Variant type: Insertion.
Coding change: c.862_863insT on transcript NM_001202.6 (MANE Select); coding-DNA positions 862 to 863, T inserted.
Protein change: p.Arg288fs; shifts the reading frame from arginine 288.
Molecular consequence: frameshift variant.
Genome position: GRCh38 VCF-style: chr14-53950396-C-CA. GRCh37 (hg19) VCF-style: chr14-54417114-C-CA.
Other names: c.1003_1004insT, p.Arg335fs (NM_001347912.1); c.673_674insT, p.Arg225fs (NM_001347913.2, NM_001347915.2, NM_001347917.1); c.862_863insT, p.Arg288fs (NM_001347914.2, NM_001347916.1, NM_130850.5 and 1 more transcripts); short protein forms R225fs, R288fs, R335fs.
Identifiers: ClinVar variation 5018591 (VCV005018591.1).

ClinVar aggregate classification (germline): Likely pathogenic (1 of 4 stars; one submission).

Conditions:
Microphthalmia with brain and digit anomalies (MCOPS6). Also called: MICROPHTHALMIA AND PITUITARY ANOMALIES; Microphthalmia, syndromic 6. Identifiers: Orphanet 139471, MedGen C1864689, MONDO:0011936, OMIM 607932.
Orofacial cleft 11 (OFC11). Also called: CLEFT LIP WITH OR WITHOUT CLEFT PALATE, NONSYNDROMIC, 11; Orofacial cleft 11; ofc11. Identifiers: MedGen C2677434, MONDO:0010906, OMIM 600625.

Submission:

Juno Genomics, Hangzhou Juno Genomics, Inc
Classification: Likely pathogenic for Microphthalmia with brain and digit anomalies; Orofacial cleft 11. Review status: criteria provided, single submitter. Criteria: ACMG Guidelines, 2015. Collection method: clinical testing. Allele origin: germline. Affected: yes.
Comment: Absent from controls (or at extremely low frequency if recessive) in Genome Aggregation Database.;Null variant in a gene where loss of function (LOF) is a known mechanism of disease.;De novo (both maternity and paternity confirmed) in a patient with the disease and no family history.